The following is an entry in ClinVar:

ClinVar aggregate classification (germline): Uncertain significance (1 of 4 stars; one submission).

Allele frequency attached by ClinVar (database versions not stated): gnomAD 0.00001.

Submission:

Labcorp Genetics (formerly Invitae), Labcorp
Classification: Uncertain significance. Last evaluated: 2021-09-09. Review status: criteria provided, single submitter. Criteria: Invitae Variant Classification Sherloc (09022015). Collection method: clinical testing. Allele origin: germline.
Comment: This sequence change replaces phenylalanine with tyrosine at codon 416 of the TPP1 protein (p.Phe416Tyr). The phenylalanine residue is highly conserved and there is a small physicochemical difference between phenylalanine and tyrosine. This variant is not present in population databases (ExAC no frequency). This variant has not been reported in the literature in individuals affected with TPP1-related conditions. Advanced modeling of protein sequence and biophysical properties (such as structural, functional, and spatial information, amino acid conservation, physicochemical variation, residue mobility, and thermodynamic stability) performed at Invitae indicates that this missense variant is expected to disrupt TPP1 protein function. In summary, the available evidence is currently insufficient to determine the role of this variant in disease. Therefore, it has been classified as a Variant of Uncertain Significance.

NM_000391.4(TPP1):c.1247T>A (p.Phe416Tyr)

Gene: TPP1 (tripeptidyl peptidase 1; minus strand). Cytogenetic location: 11p15.4.
Variant type: single nucleotide variant.
Coding change: c.1247T>A on transcript NM_000391.4 (MANE Select); coding-DNA position 1247, T replaced by A.
Protein change: p.Phe416Tyr; replaces phenylalanine 416 with tyrosine.
Molecular consequence: missense variant.
Genome position (GRCh38, 1-based): chr11:6,615,461, A>T on the plus strand (T>A on the coding strand, the complement: TPP1 is on the minus strand). VCF-style: chr11-6615461-A-T. GRCh37 (hg19) VCF-style: chr11-6636692-A-T.
Other names: short protein forms F416Y.
Identifiers: ClinVar variation 1432459 (VCV001432459.3), dbSNP rs1855565943, ClinGen allele CA379472893.
Genomic context (GRCh38, chr11:6,615,461, plus strand): 5'-CCTCACTCTTACCCTGCATCCATCCACACAAACACACGTACCTGGTATGAAGGCCGTGGG[A>T]ACACATTGCTGAAGCCACCACCACTGATATAGTCAACAATTTCATTTGTGATGAGGAAAG-3'
Protein context (NP_000382.3, residues 406-426): YISGGGFSNV[Phe416Tyr]PRPSYQEEAV